The following is an entry in ClinVar:

ClinVar aggregate classification (germline): Conflicting classifications of pathogenicity. Review status: criteria provided, conflicting classifications (1 of 4 stars). 10 submissions from 6 submitters: Uncertain significance (9); Likely benign (1). Last evaluated 2026-04-17.

Conditions:
Cardiovascular phenotype. Identifiers: MedGen CN230736.
Myopathy, myofibrillar, 9, with early respiratory failure (MFM9). Also called: MYOPATHY, PROXIMAL, WITH EARLY RESPIRATORY MUSCLE INVOLVEMENT; Hereditary myopathy with early respiratory failure; Myopathy, distal, with early respiratory failure, autosomal dominant; EDSTROM MYOPATHY. Identifiers: Orphanet 178464, Orphanet 34521, MedGen C1863599, MONDO:0011362, OMIM 603689.
Autosomal recessive limb-girdle muscular dystrophy type 2J (LGMDR10). Also called: Limb-girdle muscular dystrophy, type 2J; MUSCULAR DYSTROPHY, LIMB-GIRDLE, AUTOSOMAL RECESSIVE 10. Identifiers: Orphanet 140922, MedGen C1837342, MONDO:0012127, OMIM 608807.
TTN-related disorder. Also called: TTN-related disorders; TTN-related condition; TTN-related disease.
Dilated cardiomyopathy 1G (CMD1G). Identifiers: Orphanet 154, MedGen C1858763, MONDO:0011400, OMIM 604145.
Tibial muscular dystrophy (TMD). Also called: UDD MYOPATHY; Tibial muscular dystrophy, tardive; Udd Distal Myopathy – Tibial Muscular Dystrophy. Identifiers: Orphanet 609, MedGen C1838244, MONDO:0010870, OMIM 600334.
Early-onset myopathy with fatal cardiomyopathy (CMYO5). Also called: Salih Myopathy; CONGENITAL MYOPATHY 5 WITH CARDIOMYOPATHY. Identifiers: Orphanet 289377, MedGen C2673677, MONDO:0012714, OMIM 611705. Disease mechanism: loss of function.
Hypertrophic cardiomyopathy 9. Also called: Familial hypertrophic cardiomyopathy 9. Identifiers: MedGen C1861065, MONDO:0013412, OMIM 613765.

Allele frequency attached by ClinVar (database versions not stated): TOPMed 0.00005; ExAC 0.00006; gnomAD 0.00008 and 0.00009; gnomAD exomes 0.00008.
gnomAD v4.1: 142 of 1,611,054 alleles (0.0088%); highest among the groups gnomAD compares: East Asian, 0.016%; no homozygotes.

Submissions (10):

PreventionGenetics, part of Exact Sciences
Classification: Uncertain significance for TTN-related condition. Last evaluated: 2026-04-17. Review status: criteria provided, single submitter. Criteria: ACMG Guidelines, 2015. Collection method: clinical testing. Allele origin: germline.
Comment: The TTN c.65416C>T variant is predicted to result in the amino acid substitution p.Arg21806Trp. To our knowledge, this variant has not been reported in the literature. This variant is reported in 0.029% of alleles in individuals of Ashkenazi Jewish descent in gnomAD. Although we suspect that this variant may be benign, at this time, the clinical significance of this variant is uncertain due to the absence of conclusive functional and genetic evidence.

Molecular Diagnostic Laboratory for Inherited Cardiovascular Disease, Montreal Heart Institute
Classification: Likely benign. Last evaluated: 2025-04-09. Review status: criteria provided, single submitter. Criteria: ACMG Guidelines, 2015. Collection method: clinical testing. Allele origin: germline. Affected: no.

Revvity Omics, Revvity
Classification: Uncertain significance. Last evaluated: 2023-06-30. Review status: criteria provided, single submitter. Criteria: ACMG Guidelines, 2015. Collection method: clinical testing. Allele origin: germline.

Fulgent Genetics
Classification: Uncertain significance for Tibial muscular dystrophy; Myopathy, myofibrillar, 9, with early respiratory failure; Dilated cardiomyopathy 1G; Autosomal recessive limb-girdle muscular dystrophy type 2J; Early-onset myopathy with fatal cardiomyopathy; Hypertrophic cardiomyopathy 9. Last evaluated: 2021-09-15. Review status: criteria provided, single submitter. Criteria: ACMG Guidelines, 2015. Collection method: clinical testing. Allele origin: unknown.

Ambry Genetics
Classification: Uncertain significance for Cardiovascular phenotype. Last evaluated: 2019-08-13. Review status: criteria provided, single submitter. Criteria: Ambry Variant Classification Scheme 2023. Collection method: clinical testing. Allele origin: germline.
Comment: The p.R12741W variant (also known as c.38221C>T), located in coding exon 139 of the TTN gene, results from a C to T substitution at nucleotide position 38221. The arginine at codon 12741 is replaced by tryptophan, an amino acid with dissimilar properties. This amino acid position is highly conserved in available vertebrate species. In addition, the in silico prediction for this alteration is inconclusive. Since supporting evidence is limited at this time, the clinical significance of this alteration remains unclear.

Illumina Laboratory Services, Illumina
Classification: Uncertain significance for Dilated cardiomyopathy 1G. Last evaluated: 2018-01-13. Review status: criteria provided, single submitter. Criteria: ICSL Variant Classification Criteria 13 December 2019. Collection method: clinical testing. Allele origin: germline.

Illumina Laboratory Services, Illumina
Classification: Uncertain significance for Myopathy, myofibrillar, 9, with early respiratory failure. Last evaluated: 2018-01-13. Review status: criteria provided, single submitter. Criteria: ICSL Variant Classification Criteria 13 December 2019. Collection method: clinical testing. Allele origin: germline.

Illumina Laboratory Services, Illumina
Classification: Uncertain significance for Early-onset myopathy with fatal cardiomyopathy. Last evaluated: 2018-01-13. Review status: criteria provided, single submitter. Criteria: ICSL Variant Classification Criteria 13 December 2019. Collection method: clinical testing. Allele origin: germline.

Illumina Laboratory Services, Illumina
Classification: Uncertain significance for Autosomal recessive limb-girdle muscular dystrophy type 2J. Last evaluated: 2018-01-13. Review status: criteria provided, single submitter. Criteria: ICSL Variant Classification Criteria 13 December 2019. Collection method: clinical testing. Allele origin: germline.

Illumina Laboratory Services, Illumina
Classification: Uncertain significance for Tibial muscular dystrophy. Last evaluated: 2018-01-13. Review status: criteria provided, single submitter. Criteria: ICSL Variant Classification Criteria 13 December 2019. Collection method: clinical testing. Allele origin: germline.

NM_001267550.2(TTN):c.65416C>T (p.Arg21806Trp)

Genes: TTN (titin; minus strand), TTN-AS1 (TTN antisense RNA 1; plus strand). Cytogenetic location: 2q31.2.
Variant type: single nucleotide variant.
Coding change: c.65416C>T on transcript NM_001267550.2 (MANE Select); coding-DNA position 65416, C replaced by T.
Protein change: p.Arg21806Trp; replaces arginine 21806 with tryptophan.
Molecular consequence: missense variant. On other transcripts: non-coding transcript variant (1).
Genome position (GRCh38, 1-based): chr2:178,583,766, G>A on the plus strand (C>T on the coding strand, the complement: TTN is on the minus strand). VCF-style: chr2-178583766-G-A. GRCh37 (hg19) VCF-style: chr2-179448493-G-A.
Other names: c.60493C>T, p.Arg20165Trp (NM_001256850.1); c.38221C>T, p.Arg12741Trp (NM_003319.4); c.57712C>T, p.Arg19238Trp (NM_133378.4); c.38596C>T, p.Arg12866Trp (NM_133432.3); c.38797C>T, p.Arg12933Trp (NM_133437.4); short protein forms R19238W, R21806W, R12933W, R12741W, R12866W, R20165W.
Identifiers: ClinVar variation 332805 (VCV000332805.12), dbSNP rs778703530, ClinGen allele CA1991705.